The following is an entry in ClinVar:

ClinVar aggregate classification (germline): Uncertain significance. Review status: criteria provided, multiple submitters, no conflicts (2 of 4 stars). 2 submissions from 2 submitters: Uncertain significance (2). Last evaluated 2023-12-08.

Conditions:
Inborn genetic diseases. Identifiers: MedGen C0950123, MeSH D030342.

Allele frequency attached by ClinVar (database versions not stated): gnomAD exomes 0.00016; gnomAD 0.00021 and 0.00024; ExAC 0.00023; TOPMed 0.00025; ESP Exome Variant Server 0.00062.

Submissions (2):

Ambry Genetics
Classification: Uncertain significance for Inborn genetic diseases. Last evaluated: 2023-12-08. Review status: criteria provided, single submitter. Criteria: Ambry Variant Classification Scheme 2023. Collection method: clinical testing. Allele origin: germline.

Labcorp Genetics (formerly Invitae), Labcorp
Classification: Uncertain significance. Last evaluated: 2023-10-03. Review status: criteria provided, single submitter. Criteria: Invitae Variant Classification Sherloc (09022015). Collection method: clinical testing. Allele origin: germline.
Comment: This sequence change replaces alanine, which is neutral and non-polar, with valine, which is neutral and non-polar, at codon 393 of the CCDC8 protein (p.Ala393Val). This variant is present in population databases (rs145734886, gnomAD 0.05%). This variant has not been reported in the literature in individuals affected with CCDC8-related conditions. ClinVar contains an entry for this variant (Variation ID: 1507498). Algorithms developed to predict the effect of missense changes on protein structure and function output the following: SIFT: "Not Available"; PolyPhen-2: "Benign"; Align-GVGD: "Not Available". The valine amino acid residue is found in multiple mammalian species, which suggests that this missense change does not adversely affect protein function. In summary, the available evidence is currently insufficient to determine the role of this variant in disease. Therefore, it has been classified as a Variant of Uncertain Significance.

NM_032040.5(CCDC8):c.1178C>T (p.Ala393Val)

Gene: CCDC8 (coiled-coil domain containing 8; minus strand). Cytogenetic location: 19q13.32.
Variant type: single nucleotide variant.
Coding change: c.1178C>T on transcript NM_032040.5 (MANE Select); coding-DNA position 1178, C replaced by T.
Protein change: p.Ala393Val; replaces alanine 393 with valine.
Molecular consequence: missense variant.
Genome position (GRCh38, 1-based): chr19:46,411,633, G>A on the plus strand (C>T on the coding strand, the complement: CCDC8 is on the minus strand). VCF-style: chr19-46411633-G-A. GRCh37 (hg19) VCF-style: chr19-46914890-G-A.
Other names: c.1178C>T (NM_032040.3); short protein forms A393V.
Identifiers: ClinVar variation 1507498 (VCV001507498.7), dbSNP rs145734886, ClinGen allele CA9528531.